The following is an entry in ClinVar:

NM_003072.5(SMARCA4):c.4310G>A (p.Ser1437Asn)

Gene: SMARCA4 (SWI/SNF related BAF chromatin remodeling complex subunit ATPase 4; plus strand). Cytogenetic location: 19p13.2.
Variant type: single nucleotide variant.
Coding change: c.4310G>A on transcript NM_003072.5 (MANE Select); coding-DNA position 4310, G replaced by A.
Protein change: p.Ser1437Asn; replaces serine 1437 with asparagine.
Molecular consequence: missense variant. On other transcripts: non-coding transcript variant (1).
Genome position (GRCh38, 1-based): chr19:11,041,446, G>A. VCF-style: chr19-11041446-G-A. GRCh37 (hg19) VCF-style: chr19-11152122-G-A.
Other names: c.4310G>A, p.Ser1437Asn (NM_001128844.3); c.4220G>A, p.Ser1407Asn (NM_001128845.2, NM_001128846.2); c.4211G>A, p.Ser1404Asn (NM_001128847.4, NM_001128848.2, NM_001374457.1); c.4406G>A, p.Ser1469Asn (NM_001128849.3); short protein forms S1404N, S1407N, S1437N, S1469N.
Identifiers: ClinVar variation 994293 (VCV000994293.17), dbSNP rs1402031100, ClinGen allele CA404073767.

ClinVar aggregate classification (germline): Conflicting classifications of pathogenicity. Review status: criteria provided, conflicting classifications (1 of 4 stars). 3 submissions from 3 submitters: Uncertain significance (2); Likely benign (1). Last evaluated 2021-03-21.

Conditions:
Hereditary cancer-predisposing syndrome. Also called: Neoplastic Syndromes, Hereditary; Hereditary Cancer Syndrome; Tumor predisposition; Hereditary neoplastic syndrome. Identifiers: Orphanet 140162, MedGen C0027672, MeSH D009386, MONDO:0015356.
Rhabdoid tumor predisposition syndrome 2 (RTPS2). Identifiers: Orphanet 231108, Orphanet 69077, MedGen C2750074, MONDO:0013224, OMIM 613325.

Allele frequency attached by ClinVar (database versions not stated): gnomAD exomes below 0.00001 and 0.00002; TOPMed 0.00001; gnomAD 0.00002.
gnomAD v4.1: 9 of 1,612,522 alleles (0.00056%); highest among the groups gnomAD compares: Admixed American, 0.012%; no homozygotes.

Submissions (3):

Labcorp Genetics (formerly Invitae), Labcorp
Classification: Uncertain significance for Rhabdoid tumor predisposition syndrome 2. Last evaluated: 2021-03-21. Review status: criteria provided, single submitter. Criteria: Invitae Variant Classification Sherloc (09022015). Collection method: clinical testing. Allele origin: germline.
Comment: In summary, the available evidence is currently insufficient to determine the role of this variant in disease. Therefore, it has been classified as a Variant of Uncertain Significance. Algorithms developed to predict the effect of missense changes on protein structure and function (SIFT, PolyPhen-2, Align-GVGD) all suggest that this variant is likely to be tolerated, but these predictions have not been confirmed by published functional studies and their clinical significance is uncertain. This variant has not been reported in the literature in individuals with SMARCA4-related conditions. ClinVar contains an entry for this variant (Variation ID: 994293). This variant is not present in population databases (ExAC no frequency). This sequence change replaces serine with asparagine at codon 1469 of the SMARCA4 protein (p.Ser1469Asn). The serine residue is moderately conserved and there is a small physicochemical difference between serine and asparagine.

Ambry Genetics
Classification: Likely benign for Hereditary cancer-predisposing syndrome. Last evaluated: 2021-02-26. Review status: criteria provided, single submitter. Criteria: Ambry Variant Classification Scheme 2023. Collection method: clinical testing. Allele origin: germline.

ARUP Laboratories, Molecular Genetics and Genomics, ARUP Laboratories
Classification: Uncertain significance. Last evaluated: 2020-03-26. Review status: criteria provided, single submitter. Criteria: ARUP Molecular Germline Variant Investigation Process. Collection method: clinical testing. Allele origin: germline.